The following is an entry in ClinVar:

ClinVar aggregate classification (germline): Likely pathogenic (1 of 4 stars; one submission).

Conditions:
Dilated cardiomyopathy 1G (CMD1G). Identifiers: Orphanet 154, MedGen C1858763, MONDO:0011400, OMIM 604145.
Autosomal recessive limb-girdle muscular dystrophy type 2J (LGMDR10). Also called: Limb-girdle muscular dystrophy, type 2J; MUSCULAR DYSTROPHY, LIMB-GIRDLE, AUTOSOMAL RECESSIVE 10. Identifiers: Orphanet 140922, MedGen C1837342, MONDO:0012127, OMIM 608807.

gnomAD v4.1: 1 of 1,613,212 alleles (0.000062%); highest among the groups gnomAD compares: Non-Finnish European, 0.000085%; no homozygotes.

Submission:

Labcorp Genetics (formerly Invitae), Labcorp
Classification: Likely pathogenic for Dilated cardiomyopathy 1G; Autosomal recessive limb-girdle muscular dystrophy type 2J. Last evaluated: 2024-03-16. Review status: criteria provided, single submitter. Criteria: Invitae Variant Classification Sherloc (09022015). Collection method: clinical testing. Allele origin: germline.
Comment: This sequence change affects a donor splice site in intron 111 of the TTN gene. It is expected to disrupt RNA splicing and likely results in a truncated or disrupted TTN protein. This variant is not present in population databases (gnomAD no frequency). This variant has not been reported in the literature in individuals affected with TTN-related conditions. Algorithms developed to predict the effect of sequence changes on RNA splicing suggest that this variant may disrupt the consensus splice site. This variant is located in the I band of TTN (PMID: 25589632). Truncating variants in this region have been reported in individuals affected with autosomal recessive centronuclear myopathy (PMID: 23975875, Invitae internal data). Truncating variants in this region have also been identified in individuals affected with autosomal dominant dilated cardiomyopathy and/or cardio-related conditions (PMID: 27869827, 32964742, Invitae internal data). In summary, the currently available evidence indicates that the variant is pathogenic, but additional data are needed to prove that conclusively. Therefore, this variant has been classified as Likely Pathogenic.

Literature cited by the submitters: PubMed 25589632; PubMed 23975875; PubMed 27869827; PubMed 32964742.

NM_001267550.2(TTN):c.30682+1G>T

Gene: TTN (titin; minus strand). Cytogenetic location: 2q31.2.
Variant type: single nucleotide variant.
Coding change: c.30682+1G>T on transcript NM_001267550.2 (MANE Select); the canonical splice donor site of the intron after coding-DNA position 30682, G replaced by T.
Molecular consequence: splice donor variant. On other transcripts: intron variant (3).
Genome position (GRCh38, 1-based): chr2:178,701,119, C>A on the plus strand (G>T on the coding strand, the complement: TTN is on the minus strand). VCF-style: chr2-178701119-C-A. GRCh37 (hg19) VCF-style: chr2-179565846-C-A.
Other names: c.13282+36963G>T (NM_003319.4); c.13858+36963G>T (NM_133437.4); c.13657+36963G>T (NM_133432.3); c.26950+1G>T (NM_133378.4); c.29731+1G>T (NM_001256850.1).
Identifiers: ClinVar variation 3755341 (VCV003755341.2).